The following is an entry in ClinVar:

ClinVar aggregate classification (germline): Uncertain significance (1 of 4 stars; one submission).

Submission:

CeGaT Center for Human Genetics Tuebingen
Classification: Uncertain significance. Last evaluated: 2022-08-01. Review status: criteria provided, single submitter. Criteria: CeGaT Center For Human Genetics Tuebingen Variant Classification Criteria Version 2. Collection method: clinical testing. Allele origin: germline. Affected: yes. Observed: 1 variant allele.
Comment: DSP: PM2

NM_004415.4(DSP):c.182C>A (p.Thr61Lys)

Gene: DSP (desmoplakin; plus strand). Cytogenetic location: 6p24.3.
Variant type: single nucleotide variant.
Coding change: c.182C>A on transcript NM_004415.4 (MANE Select); coding-DNA position 182, C replaced by A.
Protein change: p.Thr61Lys; replaces threonine 61 with lysine.
Molecular consequence: missense variant.
Genome position (GRCh38, 1-based): chr6:7,555,729, C>A. VCF-style: chr6-7555729-C-A. GRCh37 (hg19) VCF-style: chr6-7555962-C-A.
Other names: c.182C>A, p.Thr61Lys (NM_001008844.3, NM_001319034.2, NM_001406591.1); short protein forms T61K.
Identifiers: ClinVar variation 2656210 (VCV002656210.24), dbSNP rs200250096, ClinGen allele CA362670607.
Genomic context (GRCh38, chr6:7,555,729, plus strand): 5'-ATTGAAATAGGTTATTTGATGTCTGGTTTCTCTGTGTTTGCCTCCTTAGTCAAACCGGCA[C>A]GATGTCCAGGCACCAGAACCAGAACACCATCCAGGAGCTGCTGCAGAACTGCTCCGACTG-3'
Protein context (NP_004406.2, residues 51-71): QNSDGYCQTG[Thr61Lys]MSRHQNQNTI